The following is an entry in ClinVar:

NM_177438.3(DICER1):c.526G>A (p.Glu176Lys)

Gene: DICER1 (dicer 1, ribonuclease III; minus strand). Cytogenetic location: 14q32.13.
Variant type: single nucleotide variant.
Coding change: c.526G>A on transcript NM_177438.3 (MANE Select); coding-DNA position 526, G replaced by A.
Protein change: p.Glu176Lys; replaces glutamic acid 176 with lysine.
Molecular consequence: missense variant.
Genome position (GRCh38, 1-based): chr14:95,130,105, C>T on the plus strand (G>A on the coding strand, the complement: DICER1 is on the minus strand). VCF-style: chr14-95130105-C-T. GRCh37 (hg19) VCF-style: chr14-95596442-C-T.
Other names: c.526G>A, p.Glu176Lys (NM_001195573.1, NM_001271282.3, NM_001291628.2 and 1 more transcripts); short protein forms E176K.
Identifiers: ClinVar variation 642431 (VCV000642431.18), dbSNP rs1177718322, ClinGen allele CA390888426.
Genomic context (GRCh38, chr14:95,130,105, plus strand): 5'-GTCTAAAACTTACCTTCATAATTTCTCGATAGGGGTGGTCTAGGATTGCAAGATGACACT[C>T]ATCAAACACCAAAAGGTTAATGTCTGACAGTGATAAGTAACCATTTTTCAAAACATTCAA-3'
Protein context (NP_803187.1, residues 166-186): LSDINLLVFD[Glu176Lys]CHLAILDHPY

ClinVar aggregate classification (germline): Uncertain significance. Review status: criteria provided, multiple submitters, no conflicts (2 of 4 stars). 5 submissions from 5 submitters: Uncertain significance (5). Last evaluated 2026-10-01.

Conditions:
Global developmental delay - lung cysts - overgrowth - Wilms tumor syndrome. Also called: GLOBAL DEVELOPMENTAL DELAY, LUNG CYSTS, OVERGROWTH, AND WILMS TUMOR; GLOW Syndrome. Identifiers: Orphanet 404476, MedGen C4748924, MONDO:0018445, OMIM 618272.
Pleuropulmonary blastoma (PPB). Identifiers: Orphanet 64742, MedGen C1266144, MONDO:0011014, OMIM 601200, HP:0100528.
DICER1-related tumor predisposition. Also called: DICER1 syndrome; DICER1-related pleuropulmonary blastoma cancer predisposition syndrome. Identifiers: Orphanet 284343, MedGen C3839822, MONDO:0100216.
Hereditary cancer-predisposing syndrome. Also called: Hereditary Cancer Syndrome; Neoplastic Syndromes, Hereditary; Tumor predisposition; Hereditary neoplastic syndrome. Identifiers: Orphanet 140162, MedGen C0027672, MeSH D009386, MONDO:0015356.

Allele frequency attached by ClinVar (database versions not stated): gnomAD exomes below 0.00001; TOPMed 0.00001; gnomAD 0.00003.
gnomAD v4.1: 1 of 1,613,460 alleles (0.000062%); highest among the groups gnomAD compares: African/African-American, 0.0013%; no homozygotes.

Submissions (5):

St. Jude Molecular Pathology, St. Jude Children's Research Hospital
Classification: Uncertain significance for Pleuropulmonary blastoma. Last evaluated: 2026-10-01. Review status: criteria provided, single submitter. Criteria: St. Jude Assertion Criteria 2020. Collection method: clinical testing. Allele origin: germline.
Comment: The DICER1 c.526G>A p.(Glu176Lys) missense change has a maximum subpopulation frequency of 0.01% in gnomAD v2.1.1. The in silico tool REVEL predicts deleterious effect on protein function, but to our knowledge this prediction has not been confirmed by functional studies. To our knowledge, this variant has not been reported in individuals with DICER1 syndrome. In summary, the evidence currently available is insufficient to determine the clinical significance of this variant. It has therefore been classified as of uncertain significance.

Labcorp Genetics (formerly Invitae), Labcorp
Classification: Uncertain significance for DICER1-related tumor predisposition. Last evaluated: 2026-01-11. Review status: criteria provided, single submitter. Criteria: Invitae Variant Classification Sherloc (09022015). Collection method: clinical testing. Allele origin: germline.
Comment: This sequence change replaces glutamic acid, which is acidic and polar, with lysine, which is basic and polar, at codon 176 of the DICER1 protein (p.Glu176Lys). This variant is present in population databases (no rsID available, gnomAD 0.01%). This variant has not been reported in the literature in individuals affected with DICER1-related conditions. ClinVar contains an entry for this variant (Variation ID: 642431). Invitae Evidence Modeling of protein sequence and biophysical properties (such as structural, functional, and spatial information, amino acid conservation, physicochemical variation, residue mobility, and thermodynamic stability) indicates that this missense variant is not expected to disrupt DICER1 protein function with a negative predictive value of 95%. In summary, the available evidence is currently insufficient to determine the role of this variant in disease. Therefore, it has been classified as a Variant of Uncertain Significance.

Ambry Genetics
Classification: Uncertain significance for Hereditary cancer-predisposing syndrome. Last evaluated: 2025-07-14. Review status: criteria provided, single submitter. Criteria: Ambry Variant Classification Scheme 2023. Collection method: clinical testing. Allele origin: germline.
Comment: The p.E176K variant (also known as c.526G>A), located in coding exon 4 of the DICER1 gene, results from a G to A substitution at nucleotide position 526. The glutamic acid at codon 176 is replaced by lysine, an amino acid with similar properties. This amino acid position is well conserved in available vertebrate species. In addition, this alteration is predicted to be deleterious by in silico analysis. Since supporting evidence is limited at this time, the clinical significance of this alteration remains unclear.

GeneDx
Classification: Uncertain significance. Last evaluated: 2025-02-20. Review status: criteria provided, single submitter. Criteria: GeneDx Variant Classification Process June 2021. Collection method: clinical testing. Allele origin: germline. Affected: yes.
Comment: Not observed at significant frequency in large population cohorts (gnomAD); In silico analysis supports that this missense variant has a deleterious effect on protein structure/function; Has not been previously published as pathogenic or benign to our knowledge

Baylor Genetics
Classification: Uncertain significance for Global developmental delay - lung cysts - overgrowth - Wilms tumor syndrome. Last evaluated: 2023-11-20. Review status: criteria provided, single submitter. Criteria: ACMG Guidelines, 2015. Collection method: clinical testing. Allele origin: unknown.